The following is an entry in ClinVar:

NM_206933.4(USH2A):c.6239del (p.Lys2080fs)

Gene: USH2A (usherin; minus strand). Cytogenetic location: 1q41.
Variant type: Deletion.
Coding change: c.6239del on transcript NM_206933.4 (MANE Select); coding-DNA position 6239, one base deleted (A; older notation c.6239delA).
Protein change: p.Lys2080fs; shifts the reading frame from lysine 2080.
Molecular consequence: frameshift variant.
Genome position (GRCh38, 1-based): chr1:216,046,517, T deleted on the plus strand (A on the coding strand, the reverse complement: USH2A is on the minus strand); the first of 5 consecutive T bases (chr1:216,046,517-216,046,521); deleting any one gives the same sequence. VCF-style (leftmost placement, unchanged base first): chr1-216046516-CT-C. GRCh37 (hg19) VCF-style: chr1-216219858-CT-C.
Other names: short protein forms K2080fs.
Identifiers: ClinVar variation 1455426 (VCV001455426.6), dbSNP rs1558229491, ClinGen allele CA2573131618.

ClinVar aggregate classification (germline): Pathogenic (1 of 4 stars; one submission).

Submission:

Labcorp Genetics (formerly Invitae), Labcorp
Classification: Pathogenic. Last evaluated: 2024-10-08. Review status: criteria provided, single submitter. Criteria: Invitae Variant Classification Sherloc (09022015). Collection method: clinical testing. Allele origin: germline.
Comment: This sequence change creates a premature translational stop signal (p.Lys2080Argfs*6) in the USH2A gene. It is expected to result in an absent or disrupted protein product. Loss-of-function variants in USH2A are known to be pathogenic (PMID: 10729113, 10909849, 20507924, 25649381). This variant is not present in population databases (gnomAD no frequency). This variant has not been reported in the literature in individuals affected with USH2A-related conditions. ClinVar contains an entry for this variant (Variation ID: 1455426). For these reasons, this variant has been classified as Pathogenic.

Literature cited by the submitters: PubMed 10729113; PubMed 10909849; PubMed 20507924; PubMed 25649381.